The following is an entry in ClinVar:

NM_000503.6(EYA1):c.1187G>A (p.Gly396Glu)

Gene: EYA1 (EYA transcriptional coactivator and phosphatase 1; minus strand). Cytogenetic location: 8q13.3.
Variant type: single nucleotide variant.
Coding change: c.1187G>A on transcript NM_000503.6 (MANE Select); coding-DNA position 1187, G replaced by A.
Protein change: p.Gly396Glu; replaces glycine 396 with glutamic acid.
Molecular consequence: missense variant.
Genome position (GRCh38, 1-based): chr8:71,216,977, C>T on the plus strand (G>A on the coding strand, the complement: EYA1 is on the minus strand). VCF-style: chr8-71216977-C-T. GRCh37 (hg19) VCF-style: chr8-72129212-C-T.
Other names: c.1169G>A, p.Gly390Glu (NM_001288574.2, NM_172059.5); c.821G>A, p.Gly274Glu (NM_001288575.2); c.1274G>A, p.Gly425Glu (NM_001370333.1); c.1187G>A, p.Gly396Glu (NM_001370334.1, NM_001370335.1, NM_172058.4); c.1166G>A, p.Gly389Glu (NM_001370336.1); c.1088G>A, p.Gly363Glu (NM_001411797.1, NM_172060.4); short protein forms G274E, G363E, G389E, G390E, G396E, G425E.
Identifiers: ClinVar variation 3907662 (VCV003907662.1).

ClinVar aggregate classification (germline): Uncertain significance (1 of 4 stars; one submission).

Conditions:
Branchiootorenal syndrome 1. Also called: Branchio-Oto-Renal Syndrome 1. Identifiers: Orphanet 107, MedGen C4551702, MONDO:0007236, OMIM 113650.

Submission:

MVZ Medizinische Genetik Mainz
Classification: Uncertain significance for Branchiootorenal syndrome 1. Last evaluated: 2025-05-16. Review status: criteria provided, single submitter. Criteria: UK Practice Guidelines For Variant Classification V4 01 2020. Collection method: clinical testing. Allele origin: germline. Inheritance: Autosomal dominant inheritance. Affected: yes. Observed: 1 variant allele.
Comment: ACMG Criteria: PP3_MOD,PM2_SUP